The following is an entry in ClinVar:

ClinVar aggregate classification (germline): Benign. Review status: criteria provided, multiple submitters, no conflicts (2 of 4 stars). 3 submissions from 3 submitters: Benign (3). Last evaluated 2021-11-07.

Conditions:
Retinitis pigmentosa (RP). Identifiers: Orphanet 791, MedGen C0035334, MeSH D012174, MONDO:0019200, OMIM 268000. Inheritance: Autosomal dominant, autosomal recessive and X linked inheritance.
Retinitis pigmentosa 66 (RP66). Identifiers: Orphanet 791, MedGen C3715216, MONDO:0014093, OMIM 615233.

Allele frequency attached by ClinVar (database versions not stated): ESP Exome Variant Server 0.06310; gnomAD 0.06850 and 0.07326; TOPMed 0.07094; gnomAD exomes 0.08426 and 0.09817; 1000 Genomes Project 30x 0.09838; ExAC 0.09848; 1000 Genomes Project 0.10124.

Submissions (3):

Genome-Nilou Lab
Classification: Benign for Retinitis pigmentosa 66. Last evaluated: 2021-11-07. Review status: criteria provided, single submitter. Criteria: ACMG Guidelines, 2015. Collection method: clinical testing. Allele origin: germline. Affected: no.

Illumina Laboratory Services, Illumina
Classification: Benign for Retinitis pigmentosa. Last evaluated: 2018-01-13. Review status: criteria provided, single submitter. Criteria: ICSL Variant Classification Criteria 13 December 2019. Collection method: clinical testing. Allele origin: germline.
Comment: This variant was observed in the ICSL laboratory as part of a predisposition screen in an ostensibly healthy population. It had not been previously curated by ICSL or reported in the Human Gene Mutation Database (HGMD: prior to June 1st, 2018), and was therefore a candidate for classification through an automated scoring system. Utilizing variant allele frequency, disease prevalence and penetrance estimates, and inheritance mode, an automated score was calculated to assess if this variant is too frequent to cause the disease. Based on the score and internal cut-off values, a variant classified as benign is not then subjected to further curation. The score for this variant resulted in a classification of benign for this disease.

Breakthrough Genomics
Classification: Benign. Review status: criteria provided, single submitter. Criteria: ACMG Guidelines, 2015. Collection method: not provided. Allele origin: germline. Inheritance: Autosomal recessive inheritance. Affected: yes.

NM_002900.3(RBP3):c.-13C>T

Gene: RBP3 (retinol binding protein 3; plus strand). Cytogenetic location: 10q11.22.
Variant type: single nucleotide variant.
Coding change: c.-13C>T on transcript NM_002900.3 (MANE Select); 13 bases upstream of the start codon, C replaced by T.
Molecular consequence: 5 prime UTR variant.
Genome position (GRCh38, 1-based): chr10:47,348,472, C>T. VCF-style: chr10-47348472-C-T. GRCh37 (hg19) VCF-style: chr10-48390890-G-A.
Identifiers: ClinVar variation 299998 (VCV000299998.8), dbSNP rs41284964, ClinGen allele CA5487889.
Genomic context (GRCh38, chr10:47,348,472, plus strand): 5'-CAGAGCAGGGCCACGGCCTTGCACACAGTCCAGGGAGCTTTTGTGCAGGAGCCAGGCCTC[C>T]CCCTGGGTCCCCATGATGAGAGAATGGGTTCTGCTCATGTCCGTGCTGCTCTGTGGCCTG-3'